The following is an entry in ClinVar:

NM_000059.4(BRCA2):c.8573A>G (p.Gln2858Arg)

Gene: BRCA2 (BRCA2 DNA repair associated; plus strand). Cytogenetic location: 13q13.1.
Variant type: single nucleotide variant.
Coding change: c.8573A>G on transcript NM_000059.4 (MANE Select); coding-DNA position 8573, A replaced by G.
Protein change: p.Gln2858Arg; replaces glutamine 2858 with arginine.
Molecular consequence: missense variant.
Genome position (GRCh38, 1-based): chr13:32,371,041, A>G. VCF-style: chr13-32371041-A-G. GRCh37 (hg19) VCF-style: chr13-32945178-A-G.
Other names: p.Q2858R:CAA>CGA; short protein forms Q2858R.
Identifiers: ClinVar variation 52625 (VCV000052625.33), dbSNP rs80359114, ClinGen allele CA025717.

ClinVar aggregate classification (germline): Conflicting classifications of pathogenicity. Review status: criteria provided, conflicting classifications (1 of 4 stars). 13 submissions from 13 submitters: Uncertain significance (2); Benign (1); Likely benign (8). 2 of the submissions do not count toward it. Last evaluated 2026-02-03.

Conditions:
Breast and/or ovarian cancer. Identifiers: MedGen CN221562.
Hereditary breast ovarian cancer syndrome. Also called: Hereditary breast and ovarian cancer syndrome; Hereditary breast and ovarian cancer; Hereditary breast and ovarian cancer syndrome (HBOC); Breast and ovarian cancer; Hereditary breast and/or ovarian cancer syndrome; BRCA1- and BRCA2-Associated Hereditary Breast and Ovarian Cancer. Identifiers: Orphanet 145, MedGen C0677776, MeSH D061325, MONDO:0003582. Disease mechanism: loss of function.
Hereditary cancer-predisposing syndrome. Also called: Neoplastic Syndromes, Hereditary; Tumor predisposition; Hereditary neoplastic syndrome; Hereditary Cancer Syndrome. Identifiers: Orphanet 140162, MedGen C0027672, MeSH D009386, MONDO:0015356.
Breast-ovarian cancer, familial, susceptibility to, 2 (BROVCA2). Also called: BRCA2 Hereditary Breast and Ovarian Cancer. Identifiers: Orphanet 145, MedGen C2675520, MONDO:0012933, OMIM 612555. Disease mechanism: loss of function.
Familial cancer of breast. Also called: BREAST CANCER, FAMILIAL; Hereditary breast cancer; hereditary breast carcinoma. Identifiers: Orphanet 227535, MedGen C0346153, MONDO:0016419, OMIM 114480. Disease mechanism: loss of function.

Allele frequency attached by ClinVar (database versions not stated): gnomAD exomes 0.00001 and 0.00002; ExAC 0.00002; gnomAD 0.00002; TOPMed 0.00002; ESP Exome Variant Server 0.00008.
gnomAD v4.1: 33 of 1,614,092 alleles (0.002%); highest among the groups gnomAD compares: Non-Finnish European, 0.0027%; no homozygotes.

Submissions (13):

Labcorp Genetics (formerly Invitae), Labcorp
Classification: Likely benign for Hereditary breast ovarian cancer syndrome. Last evaluated: 2026-02-03. Review status: criteria provided, single submitter. Criteria: Invitae Variant Classification Sherloc (09022015). Collection method: clinical testing. Allele origin: germline.

Mayo Clinic Laboratories, Mayo Clinic
Classification: Likely benign. Last evaluated: 2025-02-10. Review status: criteria provided, single submitter. Criteria: ACMG Guidelines, 2015. Collection method: clinical testing. Allele origin: germline. Observed: 2 variant alleles.
Comment: BS3, BP5_moderate

ARUP Laboratories, Molecular Genetics and Genomics, ARUP Laboratories
Classification: Likely benign. Last evaluated: 2024-08-02. Review status: criteria provided, single submitter. Criteria: ARUP Molecular Germline Variant Investigation Process 2024. Collection method: clinical testing. Allele origin: germline.

Quest Diagnostics Nichols Institute San Juan Capistrano
Classification: Likely benign. Last evaluated: 2024-04-23. Review status: criteria provided, single submitter. Criteria: Quest Diagnostics criteria. Collection method: clinical testing. Allele origin: unknown.

CHEO Genetics Diagnostic Laboratory, Children's Hospital of Eastern Ontario
Classification: Uncertain significance for Breast and/or ovarian cancer. Last evaluated: 2022-04-14. Review status: criteria provided, single submitter. Criteria: ACMG Guidelines, 2015. Collection method: clinical testing. Allele origin: germline.

GeneDx
Classification: Likely benign. Last evaluated: 2021-05-18. Review status: criteria provided, single submitter. Criteria: GeneDx Variant Classification Process June 2021. Collection method: clinical testing. Allele origin: germline. Affected: yes.
Comment: This variant is associated with the following publications: (PMID: 19043619, 21990134, 18375895, 21702907, 21990165, 16905680, 28678401, 28283652, 25348012, 10923033, 29641532, 29884841, 31131967)

Women's Health and Genetics/Laboratory Corporation of America, LabCorp
Classification: Benign. Last evaluated: 2020-11-23. Review status: criteria provided, single submitter. Criteria: LabCorp Variant Classification Summary - May 2015. Collection method: clinical testing. Allele origin: germline.
Comment: Variant summary: BRCA2 c.8573A>G (p.Gln2858Arg) results in a conservative amino acid change located in the Tower domain (IPR015205) of the encoded protein sequence. Three of five in-silico tools predict a damaging effect of the variant on protein function. The variant allele was found at a frequency of 1.2e-05 in 251234 control chromosomes (gnomAD). The available data on variant occurrences in the general population are insufficient to allow any conclusion about variant significance. c.8573A>G has been reported in the literature in individuals affected with Hereditary Breast and Ovarian Cancer (example, Simard_2007, Spurdle_2008, Shimelis_2017). These data do not allow any conclusion about variant significance. Co-occurrences with pathogenic variants have been reported in the BIC database (BRCA1 c.1054G>T, p.Glu352X; BRCA1 c.2035A>T, p.Lys679X), providing supporting evidence for a benign role. In addition, a multifactorial probability based model utilized for performing systematic assessment of variants of unknown significance in the BRCA genes, which includes analysis of co-occurrence in trans with known deleterious mutations, personal and family history of cancer, tumor pathology and co-segregation with disease in pedigrees, predicts this variant to be likely not pathogenic or of little clinical significance (Lindor_2012). One publication, Hart_2018, reports the HDR activity of this variant to be similar to that of wild-type and classifies the variant as neutral. Seven ClinVar submitters (evaluation after 2014) cite this variant as likely benign (n=4) and as uncertain significance (n=3). Some submitters cite overlapping evidence utilized in the context of this evaluation. Based on the lack of evidence supporting an actionable outcome as outlined above, the variant was classified as benign.

Department of Pathology and Laboratory Medicine, Sinai Health System
Classification: Likely benign for Familial cancer of breast; Breast-ovarian cancer, familial, susceptibility to, 2. Last evaluated: 2020-06-24. Review status: criteria provided, single submitter. Criteria: ACMG Guidelines, 2015. Collection method: clinical testing. Allele origin: germline. Affected: yes.

Ambry Genetics
Classification: Likely benign for Hereditary cancer-predisposing syndrome. Last evaluated: 2019-03-25. Review status: criteria provided, single submitter. Criteria: Ambry Variant Classification Scheme 2023. Collection method: clinical testing. Allele origin: germline.

Color Diagnostics, LLC DBA Color Health
Classification: Likely benign for Hereditary cancer-predisposing syndrome. Last evaluated: 2015-12-28. Review status: criteria provided, single submitter. Criteria: ACMG Guidelines, 2015. Collection method: clinical testing. Allele origin: germline.

Eurofins Ntd Llc (ga)
Classification: Uncertain significance. Last evaluated: 2015-01-23. Review status: criteria provided, single submitter. Criteria: EGL Classification Definitions 2015. Collection method: clinical testing. Allele origin: germline.

Counsyl
Classification: Likely benign for Breast-ovarian cancer, familial, susceptibility to, 2. Last evaluated: 2017-11-01. Review status: no assertion criteria provided. Collection method: clinical testing. Allele origin: unknown. Not counted in ClinVar's aggregate classification.

Breast Cancer Information Core (BIC) (BRCA2)
Classification: Uncertain significance for Breast-ovarian cancer, familial 2. Last evaluated: 2002-05-29. Review status: no assertion criteria provided. Collection method: clinical testing. Allele origin: germline. Affected: yes. Observed: 7 variant alleles. Not counted in ClinVar's aggregate classification.

Literature cited by the submitters: PubMed 18375895 (cited by 4 submitters); PubMed 21990165 (cited by 3 submitters); PubMed 16905680 (cited by 5 submitters); PubMed 21990134 (cited by 4 submitters); PubMed 35736817 (cited by Quest Diagnostics Nichols Institute San Juan Capistrano); PubMed 37922907 (cited by Quest Diagnostics Nichols Institute San Juan Capistrano); PubMed 28678401 (cited by 3 submitters); PubMed 28283652 (cited by 3 submitters); PubMed 19043619 (cited by 3 submitters); PubMed 33471991 (cited by Quest Diagnostics Nichols Institute San Juan Capistrano); PubMed 29884841 (cited by 3 submitters); PubMed 28726806 (cited by Quest Diagnostics Nichols Institute San Juan Capistrano and Women's Health and Genetics/Laboratory Corporation of America, LabCorp); PubMed 29580235 (cited by Quest Diagnostics Nichols Institute San Juan Capistrano and Women's Health and Genetics/Laboratory Corporation of America, LabCorp); PubMed 31131967 (cited by Quest Diagnostics Nichols Institute San Juan Capistrano); PubMed 26295337 (cited by Quest Diagnostics Nichols Institute San Juan Capistrano); PubMed 21702907 (cited by Women's Health and Genetics/Laboratory Corporation of America, LabCorp).